The following is an entry in ClinVar:

ClinVar aggregate classification (germline): Uncertain significance. Review status: criteria provided, multiple submitters, no conflicts (2 of 4 stars). 3 submissions from 3 submitters: Uncertain significance (3). Last evaluated 2021-09-24.

Conditions:
Spermatogenic failure 18. Identifiers: MedGen C4539783, MONDO:0054615, OMIM 617576.
Ciliary dyskinesia, primary, 37 (CILD37). Also called: CILIARY DYSKINESIA, PRIMARY, 37, WITH OR WITHOUT SITUS INVERSUS. Identifiers: MedGen C4539798, MONDO:0033204, OMIM 617577.
Primary ciliary dyskinesia. Also called: Ciliary dyskinesia. Identifiers: Orphanet 244, MedGen C0008780, MONDO:0016575, HP:0012265.

Allele frequency attached by ClinVar (database versions not stated): gnomAD 0.00001; ExAC 0.00002; gnomAD exomes 0.00002; TOPMed 0.00003; ESP Exome Variant Server 0.00008.
gnomAD v4.1: 27 of 1,613,872 alleles (0.0017%); highest among the groups gnomAD compares: African/African-American, 0.004%; no homozygotes.

Submissions (3):

Labcorp Genetics (formerly Invitae), Labcorp
Classification: Uncertain significance for Ciliary dyskinesia, primary, 37; Spermatogenic failure 18. Last evaluated: 2021-09-24. Review status: criteria provided, single submitter. Criteria: Invitae Variant Classification Sherloc (09022015). Collection method: clinical testing. Allele origin: germline.
Comment: This sequence change replaces serine with leucine at codon 3555 of the DNAH1 protein (p.Ser3555Leu). The serine residue is weakly conserved and there is a large physicochemical difference between serine and leucine. This variant is present in population databases (rs369548008, ExAC 0.01%). This variant has not been reported in the literature in individuals with DNAH1-related conditions. ClinVar contains an entry for this variant (Variation ID: 977544). Algorithms developed to predict the effect of missense changes on protein structure and function (SIFT, PolyPhen-2, Align-GVGD) all suggest that this variant is likely to be tolerated, but these predictions have not been confirmed by published functional studies and their clinical significance is uncertain. In summary, the available evidence is currently insufficient to determine the role of this variant in disease. Therefore, it has been classified as a Variant of Uncertain Significance.

Ambry Genetics
Classification: Uncertain significance. Last evaluated: 2021-08-10. Review status: criteria provided, single submitter. Criteria: Ambry Variant Classification Scheme 2023. Collection method: clinical testing. Allele origin: germline.

UNC Molecular Genetics  Laboratory, University of North Carolina at Chapel Hill
Classification: Uncertain significance for Primary ciliary dyskinesia. Last evaluated: 2019-12-12. Review status: criteria provided, single submitter. Criteria: ACMG Guidelines, 2015. Collection method: clinical testing. Allele origin: germline. Observed: 1 heterozygote.

NM_015512.5(DNAH1):c.10664C>T (p.Ser3555Leu)

Gene: DNAH1 (dynein axonemal heavy chain 1; plus strand). Cytogenetic location: 3p21.1.
Variant type: single nucleotide variant.
Coding change: c.10664C>T on transcript NM_015512.5 (MANE Select); coding-DNA position 10664, C replaced by T.
Protein change: p.Ser3555Leu; replaces serine 3555 with leucine.
Molecular consequence: missense variant.
Genome position (GRCh38, 1-based): chr3:52,394,502, C>T. VCF-style: chr3-52394502-C-T. GRCh37 (hg19) VCF-style: chr3-52428518-C-T.
Other names: short protein forms S3555L.
Identifiers: ClinVar variation 977544 (VCV000977544.8), dbSNP rs369548008, ClinGen allele CA2435918.
Genomic context (GRCh38, chr3:52,394,502, plus strand): 5'-AGCCTCCTCCTGTCCCCTGCCAGAGTGAGTGGCGATACCTCCTGTCTGGGGGCTCCATCT[C>T]GATCATGACTGAGAATCCGGCACCGGACTGGCTGTCAGACCGGGCTTGGCGAGACATCCT-3'
Protein context (NP_056327.4, residues 3545-3565): WRYLLSGGSI[Ser3555Leu]IMTENPAPDW